The following is an entry in ClinVar:

NM_182493.3(MYLK3):c.1771T>C (p.Tyr591His)

Gene: MYLK3 (myosin light chain kinase 3; minus strand). Cytogenetic location: 16q11.2.
Variant type: single nucleotide variant.
Coding change: c.1771T>C on transcript NM_182493.3 (MANE Select); coding-DNA position 1771, T replaced by C.
Protein change: p.Tyr591His; replaces tyrosine 591 with histidine.
Molecular consequence: missense variant.
Genome position (GRCh38, 1-based): chr16:46,729,025, A>G on the plus strand (T>C on the coding strand, the complement: MYLK3 is on the minus strand). VCF-style: chr16-46729025-A-G. GRCh37 (hg19) VCF-style: chr16-46762937-A-G.
Other names: c.748T>C, p.Tyr250His (NM_001308301.1); short protein forms Y591H, Y250H.
Identifiers: ClinVar variation 1349040 (VCV001349040.8), dbSNP rs753087592, ClinGen allele CA8037864.

ClinVar aggregate classification (germline): Uncertain significance (1 of 4 stars; one submission).

Allele frequency attached by ClinVar (database versions not stated): gnomAD exomes below 0.00001; ExAC 0.00001.
gnomAD v4.1: 2 of 1,612,630 alleles (0.00012%); highest among the groups gnomAD compares: African/African-American, 0.0013%; no homozygotes.

Submission:

Labcorp Genetics (formerly Invitae), Labcorp
Classification: Uncertain significance. Last evaluated: 2021-04-26. Review status: criteria provided, single submitter. Criteria: Invitae Variant Classification Sherloc (09022015). Collection method: clinical testing. Allele origin: germline.
Comment: This variant has not been reported in the literature in individuals with MYLK3-related conditions. This variant is present in population databases (rs753087592, ExAC 0.01%). This sequence change replaces tyrosine with histidine at codon 591 of the MYLK3 protein (p.Tyr591His). The tyrosine residue is moderately conserved and there is a moderate physicochemical difference between tyrosine and histidine. Algorithms developed to predict the effect of missense changes on protein structure and function are either unavailable or do not agree on the potential impact of this missense change (SIFT: "Tolerated"; PolyPhen-2: "Possibly Damaging"; Align-GVGD: "Class C0"). In summary, the available evidence is currently insufficient to determine the role of this variant in disease. Therefore, it has been classified as a Variant of Uncertain Significance.